The following is an entry in ClinVar:

ClinVar aggregate classification (germline): Uncertain significance (1 of 4 stars; one submission).

Conditions:
Hereditary cancer-predisposing syndrome. Also called: Tumor predisposition; Neoplastic Syndromes, Hereditary; Hereditary neoplastic syndrome; Hereditary Cancer Syndrome. Identifiers: Orphanet 140162, MedGen C0027672, MeSH D009386, MONDO:0015356.

Submission:

Ambry Genetics
Classification: Uncertain significance for Hereditary cancer-predisposing syndrome. Last evaluated: 2024-07-18. Review status: criteria provided, single submitter. Criteria: Ambry Variant Classification Scheme 2023. Collection method: clinical testing. Allele origin: germline.
Comment: The p.L361M variant (also known as c.1081C>A), located in coding exon 10 of the TSC2 gene, results from a C to A substitution at nucleotide position 1081. The leucine at codon 361 is replaced by methionine, an amino acid with highly similar properties. This amino acid position is highly conserved in available vertebrate species. In addition, the in silico prediction for this alteration is inconclusive. Based on the available evidence, the clinical significance of this variant remains unclear.

NM_000548.5(TSC2):c.1081C>A (p.Leu361Met)

Gene: TSC2 (TSC complex subunit 2; plus strand). Cytogenetic location: 16p13.3.
Variant type: single nucleotide variant.
Coding change: c.1081C>A on transcript NM_000548.5 (MANE Select); coding-DNA position 1081, C replaced by A.
Protein change: p.Leu361Met; replaces leucine 361 with methionine.
Molecular consequence: missense variant. On other transcripts: 5 prime UTR variant (10), non-coding transcript variant (5).
Genome position (GRCh38, 1-based): chr16:2,060,775, C>A. VCF-style: chr16-2060775-C-A. GRCh37 (hg19) VCF-style: chr16-2110776-C-A.
Other names: c.-351C>A (NM_001406697.1, NM_001406689.1, NM_001406690.1 and 4 more transcripts); c.-527C>A (NM_001406698.1); c.1081C>A, p.Leu361Met (NM_021055.3, NM_001077183.3, NM_001114382.3 and 6 more transcripts); c.970C>A, p.Leu324Met (NM_001318827.2, NM_001406670.1, NM_001406678.1); c.934C>A, p.Leu312Met (NM_001318829.2, NM_001406675.1, NM_001406676.1 and 1 more transcripts); c.481C>A, p.Leu161Met (NM_001318831.2, NM_001406680.1, NM_001406682.1 and 6 more transcripts); c.1114C>A, p.Leu372Met (NM_001318832.2); c.1171C>A, p.Leu391Met (NM_001406667.1, NM_001406668.1); and 4 more; short protein forms L207M, L312M, L324M, L357M, L372M, L161M, L342M, L361M.
Identifiers: ClinVar variation 3462575 (VCV003462575.1).